The following is an entry in ClinVar:

NM_000302.4(PLOD1):c.153C>G (p.Phe51Leu)

Gene: PLOD1 (procollagen-lysine,2-oxoglutarate 5-dioxygenase 1; plus strand). Cytogenetic location: 1p36.22.
Variant type: single nucleotide variant.
Coding change: c.153C>G on transcript NM_000302.4 (MANE Select); coding-DNA position 153, C replaced by G.
Protein change: p.Phe51Leu; replaces phenylalanine 51 with leucine.
Molecular consequence: missense variant.
Genome position (GRCh38, 1-based): chr1:11,948,052, C>G. VCF-style: chr1-11948052-C-G. GRCh37 (hg19) VCF-style: chr1-12008109-C-G.
Other names: c.294C>G, p.Phe98Leu (NM_001316320.2); short protein forms F51L, F98L.
Identifiers: ClinVar variation 2565001 (VCV002565001.2), dbSNP rs371961536, ClinGen allele CA597803.
Genomic context (GRCh38, chr1:11,948,052, plus strand): 5'-CACGGTGGCCACTAAGGAGACCGAGGGATTCCGTCGCTTCAAGCGCTCAGCTCAGTTCTT[C>G]AACTACAAGATCCAGGTAAGGGGTTTCCTGGGTGAGGCAGAGACAGTGAGGGGTGGCAGG-3'
Protein context (NP_000293.2, residues 41-61): FRRFKRSAQF[Phe51Leu]NYKIQALGLG

ClinVar aggregate classification (germline): Uncertain significance (1 of 4 stars; one submission).

Conditions:
Familial thoracic aortic aneurysm and aortic dissection (TAAD). Also called: Thoracic aortic aneurysms and dissections. Identifiers: Orphanet 91387, MedGen C4707243, MONDO:0019625.

Allele frequency attached by ClinVar (database versions not stated): TOPMed below 0.00001; ExAC 0.00001; gnomAD 0.00001; ESP Exome Variant Server 0.00008.
gnomAD v4.1: 1 of 1,612,694 alleles (0.000062%); highest among the groups gnomAD compares: African/African-American, 0.0013%; no homozygotes.

Submission:

Ambry Genetics
Classification: Uncertain significance for Familial thoracic aortic aneurysm and aortic dissection. Last evaluated: 2023-04-18. Review status: criteria provided, single submitter. Criteria: Ambry Variant Classification Scheme 2023. Collection method: clinical testing. Allele origin: germline.
Comment: The p.F51L variant (also known as c.153C>G), located in coding exon 2 of the PLOD1 gene, results from a C to G substitution at nucleotide position 153. The phenylalanine at codon 51 is replaced by leucine, an amino acid with highly similar properties. This amino acid position is conserved. In addition, the in silico prediction for this alteration is inconclusive. Since supporting evidence is limited at this time, the clinical significance of this alteration remains unclear.